The following is an entry in ClinVar:

NM_000090.4(COL3A1):c.1372C>T (p.Pro458Ser)

Gene: COL3A1 (collagen type III alpha 1 chain; plus strand). Cytogenetic location: 2q32.2.
Variant type: single nucleotide variant.
Coding change: c.1372C>T on transcript NM_000090.4 (MANE Select); coding-DNA position 1372, C replaced by T.
Protein change: p.Pro458Ser; replaces proline 458 with serine.
Molecular consequence: missense variant.
Genome position (GRCh38, 1-based): chr2:188,994,748, C>T. VCF-style: chr2-188994748-C-T. GRCh37 (hg19) VCF-style: chr2-189859474-C-T.
Other names: short protein forms P458S.
Identifiers: ClinVar variation 4753361 (VCV004753361.1).

ClinVar aggregate classification (germline): Uncertain significance (1 of 4 stars; one submission).

Conditions:
Ehlers-Danlos syndrome, type 4 (EDSVASC). Also called: Ehlers-Danlos syndrome vascular type; Ehlers Danlos syndrome, ecchymotic type; Ehlers Danlos syndrome, arterial type; Ehlers Danlos syndrome, Sack-Barabas type; Ehlers-Danlos Syndrome Type IV. Identifiers: Orphanet 286, MedGen C0268338, MONDO:0017314, OMIM 130050.

Submission:

Labcorp Genetics (formerly Invitae), Labcorp
Classification: Uncertain significance for Ehlers-Danlos syndrome, type 4. Last evaluated: 2025-04-24. Review status: criteria provided, single submitter. Criteria: Invitae Variant Classification Sherloc (09022015). Collection method: clinical testing. Allele origin: germline.
Comment: This sequence change replaces proline, which is neutral and non-polar, with serine, which is neutral and polar, at codon 458 of the COL3A1 protein (p.Pro458Ser). This variant is not present in population databases (gnomAD no frequency). This variant has not been reported in the literature in individuals affected with COL3A1-related conditions. Invitae Evidence Modeling of protein sequence and biophysical properties (such as structural, functional, and spatial information, amino acid conservation, physicochemical variation, residue mobility, and thermodynamic stability) indicates that this missense variant is not expected to disrupt COL3A1 protein function with a negative predictive value of 95%. In summary, the available evidence is currently insufficient to determine the role of this variant in disease. Therefore, it has been classified as a Variant of Uncertain Significance.